The following is an entry in ClinVar:

ClinVar aggregate classification (germline): Pathogenic (1 of 4 stars; one submission).

Conditions:
Combined immunodeficiency due to LRBA deficiency. Also called: Common variable immunodeficiency 8, with autoimmunity. Identifiers: Orphanet 445018, MedGen C3553512, MONDO:0013863, OMIM 614700.

gnomAD v4.1: 1 of 1,610,360 alleles (0.000062%); highest among the groups gnomAD compares: Non-Finnish European, 0.000085%; no homozygotes.

Submission:

Labcorp Genetics (formerly Invitae), Labcorp
Classification: Pathogenic for Combined immunodeficiency due to LRBA deficiency. Last evaluated: 2025-11-03. Review status: criteria provided, single submitter. Criteria: Invitae Variant Classification Sherloc (09022015). Collection method: clinical testing. Allele origin: germline.
Comment: This sequence change creates a premature translational stop signal (p.Glu946*) in the LRBA gene. It is expected to result in an absent or disrupted protein product. Loss-of-function variants in LRBA are known to be pathogenic (PMID: 26206937, 26768763). This variant is not present in population databases (gnomAD no frequency). This premature translational stop signal has been observed in individual(s) with LRBA deficiency (PMID: 26768763). For these reasons, this variant has been classified as Pathogenic.

Literature cited by the submitters: PubMed 26206937; PubMed 26768763.

NM_001364905.1(LRBA):c.2836G>T (p.Glu946Ter)

Gene: LRBA (LPS responsive beige-like anchor protein; minus strand). Cytogenetic location: 4q31.3.
Variant type: single nucleotide variant.
Coding change: c.2836G>T on transcript NM_001364905.1 (MANE Select); coding-DNA position 2836, G replaced by T.
Protein change: p.Glu946Ter; replaces glutamic acid 946 with a stop codon.
Molecular consequence: nonsense.
Genome position (GRCh38, 1-based): chr4:150,852,874, C>A on the plus strand (G>T on the coding strand, the complement: LRBA is on the minus strand). VCF-style: chr4-150852874-C-A. GRCh37 (hg19) VCF-style: chr4-151774026-C-A.
Other names: c.2836G>T, p.Glu946Ter (NM_001199282.3, NM_001367550.1, NM_001440430.1 and 2 more transcripts); short protein forms E946*.
Identifiers: ClinVar variation 4730385 (VCV004730385.1).
Genomic context (GRCh38, chr4:150,852,874, plus strand): 5'-TAATATCCCTTCTAATGCCAGAGGCTGCTTGAACTGAAGTTGAAGAACACAGCCCTATTT[C>A]TTCATCAACTTTTCCTTGCTGTTCCCTAAATATATTGGCAAGGTTTTCTTTGTGTATTTC-3'